The following is an entry in ClinVar:

ClinVar aggregate classification (germline): Uncertain significance (1 of 4 stars; one submission).

Allele frequency attached by ClinVar (database versions not stated): gnomAD exomes below 0.00001; gnomAD 0.00001.
gnomAD v4.1: 5 of 1,614,126 alleles (0.00031%); highest among the groups gnomAD compares: Non-Finnish European, 0.00042%; no homozygotes.

Submission:

Genetic Services Laboratory, University of Chicago
Classification: Uncertain significance. Last evaluated: 2021-12-02. Review status: criteria provided, single submitter. Criteria: ACMG Guidelines, 2015. Collection method: clinical testing. Allele origin: germline. Affected: no.
Comment: DNA sequence analysis of the FGA gene demonstrated a sequence change, c.767A>C, in exon 5 that results in an amino acid change, p.Gln256Pro. This sequence change has been described in the gnomAD database in two individuals which corresponds to a population frequency of 0.00070% (dbSNP rs1348588295). The p.Gln256Pro change affects a moderately conserved amino acid residue located in a domain of the FGA protein that is not known to be functional. In-silico pathogenicity prediction tools (SIFT, PolyPhen2, Align GVGD, REVEL) provide contradictory results for the p.Gln256Pro substitution. This sequence change does not appear to have been previously described in individuals with FGA-related disorders. Due to insufficient evidences and the lack of functional studies, the clinical significance of the p.Gln256Pro change remains unknown at this time.

NM_021871.4(FGA):c.767A>C (p.Gln256Pro)

Gene: FGA (fibrinogen alpha chain; minus strand). Cytogenetic location: 4q31.3.
Variant type: single nucleotide variant.
Coding change: c.767A>C on transcript NM_021871.4 (MANE Select); coding-DNA position 767, A replaced by C.
Protein change: p.Gln256Pro; replaces glutamine 256 with proline.
Molecular consequence: missense variant.
Genome position (GRCh38, 1-based): chr4:154,586,662, T>G on the plus strand (A>C on the coding strand, the complement: FGA is on the minus strand). VCF-style: chr4-154586662-T-G. GRCh37 (hg19) VCF-style: chr4-155507814-T-G.
Other names: c.767A>C, p.Gln256Pro (NM_000508.5); short protein forms Q256P.
Identifiers: ClinVar variation 1338174 (VCV001338174.4), dbSNP rs1348588295, ClinGen allele CA358531175.
Genomic context (GRCh38, chr4:154,586,662, plus strand): 5'-GAGGTGGAGCCTCCTCGAGTAATCTCATTTCCACCAGGTCTCTCTAACTCCATTCTCATC[T>G]GCGGCATGTCTGTTAATGCCTTCCACTCTGGGGGTACCTTCTGAAGCTGGCTCTTAAAAT-3'
Protein context (NP_068657.1, residues 246-266): PEWKALTDMP[Gln256Pro]MRMELERPGG